The following is an entry in ClinVar:

NM_001303256.3(MORC2):c.2704A>G (p.Ser902Gly)

Gene: MORC2 (MORC family CW-type zinc finger 2; minus strand). Cytogenetic location: 22q12.2.
Variant type: single nucleotide variant.
Coding change: c.2704A>G on transcript NM_001303256.3 (MANE Select); coding-DNA position 2704, A replaced by G.
Protein change: p.Ser902Gly; replaces serine 902 with glycine.
Molecular consequence: missense variant.
Genome position (GRCh38, 1-based): chr22:30,932,588, T>C on the plus strand (A>G on the coding strand, the complement: MORC2 is on the minus strand). VCF-style: chr22-30932588-T-C. GRCh37 (hg19) VCF-style: chr22-31328575-T-C.
Other names: c.2704A>G, p.Ser902Gly (NM_001303257.2); c.2518A>G, p.Ser840Gly (NM_014941.3); short protein forms S840G, S902G.
Identifiers: ClinVar variation 3647262 (VCV003647262.2).

ClinVar aggregate classification (germline): Uncertain significance (1 of 4 stars; one submission).

Conditions:
Charcot-Marie-Tooth disease axonal type 2Z. Also called: CHARCOT-MARIE-TOOTH DISEASE, AXONAL, AUTOSOMAL DOMINANT, TYPE 2Z; CHARCOT-MARIE-TOOTH NEUROPATHY, TYPE 2Z. Identifiers: Orphanet 466768, MedGen C5569025, MONDO:0014736, OMIM 616688.

gnomAD v4.1: 2 of 1,614,122 alleles (0.00012%); highest among the groups gnomAD compares: South Asian, 0.0022%; no homozygotes.

Submission:

Labcorp Genetics (formerly Invitae), Labcorp
Classification: Uncertain significance for Charcot-Marie-Tooth disease axonal type 2Z. Last evaluated: 2024-10-05. Review status: criteria provided, single submitter. Criteria: Invitae Variant Classification Sherloc (09022015). Collection method: clinical testing. Allele origin: germline.
Comment: This sequence change replaces serine, which is neutral and polar, with glycine, which is neutral and non-polar, at codon 902 of the MORC2 protein (p.Ser902Gly). This variant is present in population databases (no rsID available, gnomAD 0.003%). This variant has not been reported in the literature in individuals affected with MORC2-related conditions. Invitae Evidence Modeling of protein sequence and biophysical properties (such as structural, functional, and spatial information, amino acid conservation, physicochemical variation, residue mobility, and thermodynamic stability) indicates that this missense variant is not expected to disrupt MORC2 protein function with a negative predictive value of 95%. In summary, the available evidence is currently insufficient to determine the role of this variant in disease. Therefore, it has been classified as a Variant of Uncertain Significance.